The following is an entry in ClinVar:

NM_014687.4(RUBCN):c.2583G>A (p.Gly861=)

Gene: RUBCN (rubicon autophagy regulator; minus strand). Cytogenetic location: 3q29.
Variant type: single nucleotide variant.
Coding change: c.2583G>A on transcript NM_014687.4 (MANE Select); coding-DNA position 2583, G replaced by A.
Protein change: p.Gly861=; no amino-acid change (glycine 861 retained).
Molecular consequence: synonymous variant.
Genome position (GRCh38, 1-based): chr3:197,676,948, C>T on the plus strand (G>A on the coding strand, the complement: RUBCN is on the minus strand). VCF-style: chr3-197676948-C-T. GRCh37 (hg19) VCF-style: chr3-197403819-C-T.
Other names: c.2448G>A, p.Gly816= (NM_001145642.5); c.2700G>A, p.Gly900= (NM_001346873.2); c.2583G>A (NM_014687.3).
Identifiers: ClinVar variation 738463 (VCV000738463.5), dbSNP rs369723761, ClinGen allele CA2786519.

ClinVar aggregate classification (germline): Likely benign. Review status: criteria provided, single submitter (1 of 4 stars). 2 submissions from 2 submitters: Likely benign (1). 1 of the submissions does not count toward it. Last evaluated 2018-05-31.

Conditions:
RUBCN-related disorder. Also called: RUBCN-related condition.

Allele frequency attached by ClinVar (database versions not stated): gnomAD exomes 0.00002 and 0.00011; ExAC 0.00013; ESP Exome Variant Server 0.00025; gnomAD 0.00030 and 0.00033; TOPMed 0.00042; 1000 Genomes Project 30x 0.00078; 1000 Genomes Project 0.00080.
gnomAD v4.1: 83 of 1,614,236 alleles (0.0051%); highest among the groups gnomAD compares: African/African-American, 0.089%; 1 homozygote.

Submissions (2):

Labcorp Genetics (formerly Invitae), Labcorp
Classification: Likely benign. Last evaluated: 2018-05-31. Review status: criteria provided, single submitter. Criteria: Invitae Variant Classification Sherloc (09022015). Collection method: clinical testing. Allele origin: germline.

PreventionGenetics, part of Exact Sciences
Classification: Likely benign for RUBCN-related condition. Last evaluated: 2019-06-14. Review status: no assertion criteria provided. Collection method: clinical testing. Allele origin: germline. Not counted in ClinVar's aggregate classification.
Comment: This variant is classified as likely benign based on ACMG/AMP sequence variant interpretation guidelines (Richards et al. 2015 PMID: 25741868, with internal and published modifications).